The following is an entry in ClinVar:

NM_001370259.2(MEN1):c.655-5dup

Gene: MEN1 (menin 1; minus strand). Cytogenetic location: 11q13.1.
Variant type: Duplication.
Coding change: c.655-5dup on transcript NM_001370259.2 (MANE Select); 5 bases into the intron before coding-DNA position 655, one base duplicated (C; older notation c.655-5dupC).
Molecular consequence: intron variant.
Genome position (GRCh38, 1-based): chr11:64,807,685, G duplicated on the plus strand (C on the coding strand, the reverse complement: MEN1 is on the minus strand); the first of 7 consecutive G bases (chr11:64,807,685-64,807,691); duplicating any one gives the same sequence. VCF-style (leftmost placement, unchanged base first): chr11-64807684-A-AG. GRCh37 (hg19) VCF-style: chr11-64575156-A-AG.
Other names: c.655-5dupC (NM_130799.2); c.670-5dup (NM_130804.3, NM_130803.3, NM_000244.4 and 3 more transcripts); c.655-5dup (NM_130799.3, NM_001370260.2, NM_001370251.2 and 1 more transcripts); c.550-5dup (NM_001370263.2, NM_001370262.2); c.670-5dupC (NM_000244.3).
Identifiers: ClinVar variation 371885 (VCV000371885.23), dbSNP rs772016629, ClinGen allele CA6082226.
Genomic context (GRCh38, chr11:64,807,684, plus strand): 5'-CGCCACCTCCATCTTGCGGTCACAGCGCATGTATGATCCTTTCAGGTACAGCCAGCTCTT[A>AG]GGGGGGGATGAGATCATTATGTCTCATGATGGCCCACCCTGTGCCTGCTTCAGGGAATGA-3'

ClinVar aggregate classification (germline): Conflicting classifications of pathogenicity. Review status: criteria provided, conflicting classifications (1 of 4 stars). 9 submissions from 9 submitters: Uncertain significance (1); Benign (3); Likely benign (4). 1 of the submissions does not count toward it. Last evaluated 2025-12-22.

Conditions:
Hereditary cancer-predisposing syndrome. Also called: Neoplastic Syndromes, Hereditary; Hereditary neoplastic syndrome; Hereditary Cancer Syndrome; Tumor predisposition. Identifiers: Orphanet 140162, MedGen C0027672, MeSH D009386, MONDO:0015356.
Multiple endocrine neoplasia, type 1 (MEN1). Also called: MEN I; WERMER SYNDROME; MEA I; Endocrine adenomatosis multiple; MEN 1. Identifiers: Orphanet 652, MedGen C0025267, MeSH D018761, MONDO:0007540, OMIM 131100.

Submissions (9):

Labcorp Genetics (formerly Invitae), Labcorp
Classification: Benign for Multiple endocrine neoplasia, type 1. Last evaluated: 2025-12-22. Review status: criteria provided, single submitter. Criteria: Invitae Variant Classification Sherloc (09022015). Collection method: clinical testing. Allele origin: germline.

Ambry Genetics
Classification: Benign for Hereditary cancer-predisposing syndrome. Last evaluated: 2025-03-25. Review status: criteria provided, single submitter. Criteria: Ambry Variant Classification Scheme 2023. Collection method: clinical testing. Allele origin: germline.

Center for Genomic Medicine, Rigshospitalet, Copenhagen University Hospital
Classification: Uncertain significance. Last evaluated: 2025-03-04. Review status: criteria provided, single submitter. Criteria: ACMG Guidelines, 2015. Collection method: clinical testing. Allele origin: germline.

Quest Diagnostics Nichols Institute San Juan Capistrano
Classification: Likely benign. Last evaluated: 2025-01-17. Review status: criteria provided, single submitter. Criteria: Quest Diagnostics criteria. Collection method: clinical testing. Allele origin: unknown.

Myriad Genetics, Inc.
Classification: Benign for Multiple endocrine neoplasia, type 1. Last evaluated: 2024-09-05. Review status: criteria provided, single submitter. Criteria: Myriad Autosomal Dominant, Autosomal Recessive and X-Linked Classification Criteria (2023). Collection method: clinical testing. Allele origin: unknown.
Comment: This variant is considered benign. This variant is intronic and is not expected to impact mRNA splicing. This variant has been observed at a population frequency that is significantly greater than expected given the associated disease prevalence and penetrance.

Color Diagnostics, LLC DBA Color Health
Classification: Likely benign for Multiple endocrine neoplasia, type 1. Last evaluated: 2023-05-16. Review status: criteria provided, single submitter. Criteria: ACMG Guidelines, 2015. Collection method: clinical testing. Allele origin: germline.

Sema4
Classification: Likely benign for Hereditary cancer-predisposing syndrome. Last evaluated: 2021-11-29. Review status: criteria provided, single submitter. Criteria: Sema4 Curation Guidelines. Collection method: curation. Allele origin: germline.

GeneDx
Classification: Likely benign. Last evaluated: 2019-02-27. Review status: criteria provided, single submitter. Criteria: GeneDx Variant Classification Process June 2021. Collection method: clinical testing. Allele origin: germline. Affected: yes.

Counsyl
Classification: Likely benign for Multiple endocrine neoplasia, type 1. Last evaluated: 2016-07-13. Review status: no assertion criteria provided. Collection method: clinical testing. Allele origin: unknown. Not counted in ClinVar's aggregate classification.